The following is an entry in ClinVar:

NM_000069.3(CACNA1S):c.1232T>G (p.Ile411Ser)

Gene: CACNA1S (calcium voltage-gated channel subunit alpha1 S; minus strand). Cytogenetic location: 1q32.1.
Variant type: single nucleotide variant.
Coding change: c.1232T>G on transcript NM_000069.3 (MANE Select); coding-DNA position 1232, T replaced by G.
Protein change: p.Ile411Ser; replaces isoleucine 411 with serine.
Molecular consequence: missense variant.
Genome position (GRCh38, 1-based): chr1:201,084,950, A>C on the plus strand (T>G on the coding strand, the complement: CACNA1S is on the minus strand). VCF-style: chr1-201084950-A-C. GRCh37 (hg19) VCF-style: chr1-201054078-A-C.
Other names: short protein forms I411S.
Identifiers: ClinVar variation 3386387 (VCV003386387.1).

ClinVar aggregate classification (germline): Uncertain significance (1 of 4 stars; one submission).

Conditions:
Malignant hyperthermia, susceptibility to, 5 (MHS5). Also called: CACNA1S-Related Malignant Hyperthermia Susceptibility. Identifiers: Orphanet 423, MedGen C1866077, MONDO:0011163, OMIM 601887.

gnomAD v4.1: 1 of 1,610,462 alleles (0.000062%); highest among the groups gnomAD compares: East Asian, 0.0022%; no homozygotes.

Submission:

All of Us Research Program, National Institutes of Health
Classification: Uncertain significance for Malignant hyperthermia, susceptibility to, 5. Last evaluated: 2024-07-20. Review status: criteria provided, single submitter. Criteria: ACMG Guidelines, 2015. Collection method: clinical testing. Allele origin: germline. Inheritance: Autosomal dominant inheritance. Observed: 1 variant allele, 1 heterozygote.
Comment: This missense variant replaces isoleucine with serine at codon 411 of the CACNA1S protein. Computational prediction suggests that this variant may not impact protein structure and function (internally defined REVEL score threshold <= 0.5, PMID: 27666373). To our knowledge, functional studies have not been reported for this variant. This variant has not been reported in individuals affected with CACNA1S-related disorders in the literature. This variant has not been identified in the general population by the Genome Aggregation Database (gnomAD). The available evidence is insufficient to determine the role of this variant in disease conclusively. Therefore, this variant is classified as a Variant of Uncertain Significance.

This study involves interpretation of variants in research participants for the purpose of population health screening. Participant phenotype was not available at the time of variant classification. Additional details can be found in publication PMID: 35346344, PMCID: PMC8962531